The following is an entry in ClinVar:

ClinVar aggregate classification (germline): Pathogenic (1 of 4 stars; one submission).

Conditions:
Developmental and epileptic encephalopathy, 9 (DEE9). Also called: Early infantile epileptic encephalopathy 9; JUBERG-HELLMAN SYNDROME; PCDH19-Related X-Linked Female-Limited Epilepsy with Mental Retardation; EPILEPSY, FEMALE-RESTRICTED, WITH MENTAL RETARDATION. Identifiers: Orphanet 101039, Orphanet 2076, MedGen C1848137, MONDO:0010246, OMIM 300088. Disease mechanism: loss of function.

Submission:

Labcorp Genetics (formerly Invitae), Labcorp
Classification: Pathogenic for Developmental and epileptic encephalopathy, 9. Last evaluated: 2024-03-03. Review status: criteria provided, single submitter. Criteria: Invitae Variant Classification Sherloc (09022015). Collection method: clinical testing. Allele origin: germline.
Comment: This sequence change creates a premature translational stop signal (p.Glu599Argfs*18) in the PCDH19 gene. It is expected to result in an absent or disrupted protein product. Loss-of-function variants in PCDH19 are known to be pathogenic (PMID: 21053371). This variant is not present in population databases (gnomAD no frequency). This variant has not been reported in the literature in individuals affected with PCDH19-related conditions. For these reasons, this variant has been classified as Pathogenic.

Literature cited by the submitters: PubMed 21053371.

NM_001184880.2(PCDH19):c.1793dup (p.Glu599fs)

Gene: PCDH19 (protocadherin 19; minus strand). Cytogenetic location: Xq22.1.
Variant type: Duplication.
Coding change: c.1793dup on transcript NM_001184880.2 (MANE Select); coding-DNA position 1793, one base duplicated (G; older notation c.1793dupG).
Protein change: p.Glu599fs; shifts the reading frame from glutamic acid 599.
Molecular consequence: frameshift variant.
Genome position (GRCh38, 1-based): chrX:100,406,805, C duplicated on the plus strand (G on the coding strand, the reverse complement: PCDH19 is on the minus strand); the first of 3 consecutive C bases (chrX:100,406,805-100,406,807); duplicating any one gives the same sequence. VCF-style (leftmost placement, unchanged base first): chrX-100406804-G-GC. GRCh37 (hg19) VCF-style: chrX-99661802-G-GC.
Other names: c.1793dup, p.Glu599fs (NM_001105243.2, NM_020766.3); short protein forms E599fs.
Identifiers: ClinVar variation 3703315 (VCV003703315.2).
Genomic context (GRCh38, chrX:100,406,804, plus strand): 5'-GTCTATTTCAAAGAAGCCGCGGTCGCCCTCGGTCATGTCGTAGGTGACTCGGCCATTTTC[G>GC]CCCTCATCGTAGTCTTCTGCCTTGACAACAGTCACCAGGTAGCCTATGCCAGAGTTGCGG-3'